The following is an entry in ClinVar:

NM_004415.4(DSP):c.1066A>G (p.Thr356Ala)

Gene: DSP (desmoplakin; plus strand). Cytogenetic location: 6p24.3.
Variant type: single nucleotide variant.
Coding change: c.1066A>G on transcript NM_004415.4 (MANE Select); coding-DNA position 1066, A replaced by G.
Protein change: p.Thr356Ala; replaces threonine 356 with alanine.
Molecular consequence: missense variant.
Genome position (GRCh38, 1-based): chr6:7,567,375, A>G. VCF-style: chr6-7567375-A-G. GRCh37 (hg19) VCF-style: chr6-7567608-A-G.
Other names: c.1066A>G, p.Thr356Ala (NM_001008844.3, NM_001319034.2, NM_001406591.1); short protein forms T356A.
Identifiers: ClinVar variation 2931577 (VCV002931577.4), dbSNP rs1052446501, ClinGen allele CA133955585.

ClinVar aggregate classification (germline): Uncertain significance. Review status: criteria provided, multiple submitters, no conflicts (2 of 4 stars). 2 submissions from 2 submitters: Uncertain significance (2). Last evaluated 2026-01-12.

Conditions:
Cardiovascular phenotype. Identifiers: MedGen CN230736.
Arrhythmogenic cardiomyopathy with wooly hair and keratoderma. Also called: PALMOPLANTAR KERATODERMA WITH LEFT VENTRICULAR CARDIOMYOPATHY AND WOOLLY HAIR; Carvajal syndrome; Dilated cardiomyopathy with woolly hair and keratoderma; Arrhythmogenic cardiomyopathy with woolly hair and keratoderma. Identifiers: Orphanet 65282, MedGen C1854063, MONDO:0011581, OMIM 605676.
Arrhythmogenic right ventricular dysplasia 8 (ARVD8). Also called: Arrhythmogenic Right Ventricular Dysplasia/Cardiomyopathy 8; ARRHYTHMOGENIC RIGHT VENTRICULAR DYSPLASIA, FAMILIAL, 8; ARRHYTHMOGENIC RIGHT VENTRICULAR CARDIOMYOPATHY 8. Identifiers: MedGen C1843896, MONDO:0011831, OMIM 607450.

Allele frequency attached by ClinVar (database versions not stated): TOPMed below 0.00001.

Submissions (2):

Ambry Genetics
Classification: Uncertain significance for Cardiovascular phenotype. Last evaluated: 2026-01-12. Review status: criteria provided, single submitter. Criteria: Ambry Variant Classification Scheme 2023. Collection method: clinical testing. Allele origin: germline.
Comment: The p.T356A variant (also known as c.1066A>G), located in coding exon 9 of the DSP gene, results from an A to G substitution at nucleotide position 1066. The threonine at codon 356 is replaced by alanine, an amino acid with similar properties. This amino acid position is highly conserved in available vertebrate species. In addition, the in silico prediction for this alteration is inconclusive. Based on the available evidence, the clinical significance of this variant remains unclear.

Labcorp Genetics (formerly Invitae), Labcorp
Classification: Uncertain significance for Arrhythmogenic cardiomyopathy with wooly hair and keratoderma; Arrhythmogenic right ventricular dysplasia 8. Last evaluated: 2025-09-25. Review status: criteria provided, single submitter. Criteria: Invitae Variant Classification Sherloc (09022015). Collection method: clinical testing. Allele origin: germline.
Comment: This sequence change replaces threonine, which is neutral and polar, with alanine, which is neutral and non-polar, at codon 356 of the DSP protein (p.Thr356Ala). This variant is not present in population databases (gnomAD no frequency). This variant has not been reported in the literature in individuals affected with DSP-related conditions. ClinVar contains an entry for this variant (Variation ID: 2931577). An algorithm developed to predict the effect of missense changes on protein structure and function (PolyPhen-2) suggests that this variant is likely to be disruptive. In summary, the available evidence is currently insufficient to determine the role of this variant in disease. Therefore, it has been classified as a Variant of Uncertain Significance.